The following is an entry in ClinVar:

NM_015465.5(GEMIN5):c.2864C>T (p.Ala955Val)

Gene: GEMIN5 (gem nuclear organelle associated protein 5; minus strand). Cytogenetic location: 5q33.2.
Variant type: single nucleotide variant.
Coding change: c.2864C>T on transcript NM_015465.5 (MANE Select); coding-DNA position 2864, C replaced by T.
Protein change: p.Ala955Val; replaces alanine 955 with valine.
Molecular consequence: missense variant.
Genome position (GRCh38, 1-based): chr5:154,902,541, G>A on the plus strand (C>T on the coding strand, the complement: GEMIN5 is on the minus strand). VCF-style: chr5-154902541-G-A. GRCh37 (hg19) VCF-style: chr5-154282101-G-A.
Other names: c.2861C>T, p.Ala954Val (NM_001252156.2); short protein forms A954V, A955V.
Identifiers: ClinVar variation 3903396 (VCV003903396.1).

ClinVar aggregate classification (germline): Uncertain significance (1 of 4 stars; one submission).

gnomAD v4.1: 9 of 1,613,762 alleles (0.00056%); no homozygotes.

Submission:

GeneDx
Classification: Uncertain significance. Last evaluated: 2024-12-10. Review status: criteria provided, single submitter. Criteria: GeneDx Variant Classification Process June 2021. Collection method: clinical testing. Allele origin: germline. Affected: yes.
Comment: In silico analysis supports a deleterious effect on splicing; In silico analysis indicates that this missense variant does not alter protein structure/function; Has not been previously published as pathogenic or benign to our knowledge